The following is an entry in ClinVar:

NM_001372.4(DNAH9):c.4432C>T (p.Gln1478Ter)

Gene: DNAH9 (dynein axonemal heavy chain 9; plus strand). Cytogenetic location: 17p12.
Variant type: single nucleotide variant.
Coding change: c.4432C>T on transcript NM_001372.4 (MANE Select); coding-DNA position 4432, C replaced by T.
Protein change: p.Gln1478Ter; replaces glutamine 1478 with a stop codon.
Molecular consequence: nonsense.
Genome position (GRCh38, 1-based): chr17:11,690,254, C>T. VCF-style: chr17-11690254-C-T. GRCh37 (hg19) VCF-style: chr17-11593571-C-T.
Other names: short protein forms Q1478*.
Identifiers: ClinVar variation 1451912 (VCV001451912.6), dbSNP rs2074311354, ClinGen allele CA398187547.

ClinVar aggregate classification (germline): Pathogenic (1 of 4 stars; one submission).

Submission:

Labcorp Genetics (formerly Invitae), Labcorp
Classification: Pathogenic. Last evaluated: 2021-09-15. Review status: criteria provided, single submitter. Criteria: Invitae Variant Classification Sherloc (09022015). Collection method: clinical testing. Allele origin: germline.
Comment: This sequence change creates a premature translational stop signal (p.Gln1478*) in the DNAH9 gene. It is expected to result in an absent or disrupted protein product. Loss-of-function variants in DNAH9 are known to be pathogenic (PMID: 30471718). This variant is not present in population databases (ExAC no frequency). For these reasons, this variant has been classified as Pathogenic. This variant has not been reported in the literature in individuals affected with DNAH9-related conditions.

Literature cited by the submitters: PubMed 30471718.